The following is an entry in ClinVar:

NM_000268.4(NF2):c.1012C>T (p.Arg338Cys)

Gene: NF2 (NF2, moesin-ezrin-radixin like (MERLIN) tumor suppressor; plus strand). Cytogenetic location: 22q12.2.
Variant type: single nucleotide variant.
Coding change: c.1012C>T on transcript NM_000268.4 (MANE Select); coding-DNA position 1012, C replaced by T.
Protein change: p.Arg338Cys; replaces arginine 338 with cysteine.
Molecular consequence: missense variant. On other transcripts: non-coding transcript variant (1), intron variant (1).
Genome position (GRCh38, 1-based): chr22:29,671,838, C>T. VCF-style: chr22-29671838-C-T. GRCh37 (hg19) VCF-style: chr22-30067827-C-T.
Other names: c.1012C>T, p.Arg338Cys (NM_016418.5, NM_181825.3, NM_181832.3); c.886C>T, p.Arg296Cys (NM_181828.3); c.889C>T, p.Arg297Cys (NM_181829.3); c.763C>T, p.Arg255Cys (NM_181830.3, NM_181831.3); c.448-22914C>T (NM_181833.3); short protein forms R338C, R297C, R255C, R296C.
Identifiers: ClinVar variation 393183 (VCV000393183.23), dbSNP rs761795291, ClinGen allele CA036556.

ClinVar aggregate classification (germline): Uncertain significance. Review status: criteria provided, multiple submitters, no conflicts (2 of 4 stars). 5 submissions from 5 submitters: Uncertain significance (5). Last evaluated 2026-01-01.

Conditions:
Hereditary cancer-predisposing syndrome. Also called: Tumor predisposition; Hereditary Cancer Syndrome; Hereditary neoplastic syndrome; Neoplastic Syndromes, Hereditary. Identifiers: Orphanet 140162, MedGen C0027672, MeSH D009386, MONDO:0015356.
Familial meningioma. Also called: Meningioma, familial, susceptibility to. Identifiers: Orphanet 263662, MedGen C3551915, MONDO:0011789, OMIM 607174.
Neurofibromatosis, type 2 (SWNV). Also called: SCHWANNOMATOSIS, VESTIBULAR; NF2-Related Schwannomatosis; BILATERAL ACOUSTIC NEUROFIBROMATOSIS. Identifiers: Orphanet 637, MedGen C0027832, MONDO:0007039, OMIM 101000. Disease mechanism: loss of function.

Allele frequency attached by ClinVar (database versions not stated): ExAC 0.00001; gnomAD exomes 0.00001; TOPMed 0.00001; gnomAD 0.00002.
gnomAD v4.1: 15 of 1,613,838 alleles (0.00093%); highest among the groups gnomAD compares: East Asian, 0.0022%; no homozygotes.

Submissions (5):

Labcorp Genetics (formerly Invitae), Labcorp
Classification: Uncertain significance for Neurofibromatosis, type 2. Last evaluated: 2026-01-01. Review status: criteria provided, single submitter. Criteria: Invitae Variant Classification Sherloc (09022015). Collection method: clinical testing. Allele origin: germline.
Comment: This sequence change replaces arginine, which is basic and polar, with cysteine, which is neutral and slightly polar, at codon 338 of the NF2 protein (p.Arg338Cys). This variant is present in population databases (rs761795291, gnomAD 0.006%). This variant has not been reported in the literature in individuals affected with NF2-related conditions. ClinVar contains an entry for this variant (Variation ID: 393183). Invitae Evidence Modeling of protein sequence and biophysical properties (such as structural, functional, and spatial information, amino acid conservation, physicochemical variation, residue mobility, and thermodynamic stability) has been performed for this missense variant. However, the output from this modeling did not meet the statistical confidence thresholds required to predict the impact of this variant on NF2 protein function. In summary, the available evidence is currently insufficient to determine the role of this variant in disease. Therefore, it has been classified as a Variant of Uncertain Significance.

Ambry Genetics
Classification: Uncertain significance for Hereditary cancer-predisposing syndrome. Last evaluated: 2025-08-08. Review status: criteria provided, single submitter. Criteria: Ambry Variant Classification Scheme 2023. Collection method: clinical testing. Allele origin: germline.
Comment: The p.R338C variant (also known as c.1012C>T), located in coding exon 11 of the NF2 gene, results from a C to T substitution at nucleotide position 1012. The arginine at codon 338 is replaced by cysteine, an amino acid with highly dissimilar properties. This amino acid position is well conserved in available vertebrate species. In addition, the in silico prediction for this alteration is inconclusive. Since supporting evidence is limited at this time, the clinical significance of this alteration remains unclear.

GeneDx
Classification: Uncertain significance. Last evaluated: 2024-05-09. Review status: criteria provided, single submitter. Criteria: GeneDx Variant Classification Process June 2021. Collection method: clinical testing. Allele origin: germline. Affected: yes.
Comment: In silico analysis supports that this missense variant has a deleterious effect on protein structure/function; Has not been previously published as pathogenic or benign to our knowledge; This variant is associated with the following publications: (PMID: 28481359, 18547414, 17134719, 16324214, 22482125, Kaysen2022[somatic])

Baylor Genetics
Classification: Uncertain significance for Familial meningioma. Last evaluated: 2023-09-22. Review status: criteria provided, single submitter. Criteria: ACMG Guidelines, 2015. Collection method: clinical testing. Allele origin: unknown.

Genome-Nilou Lab
Classification: Uncertain significance for Neurofibromatosis, type 2. Last evaluated: 2021-11-07. Review status: criteria provided, single submitter. Criteria: ACMG Guidelines, 2015. Collection method: clinical testing. Allele origin: germline. Affected: no.